The following is an entry in ClinVar:

NM_000540.3(RYR1):c.40C>A (p.Arg14=)

Gene: RYR1 (ryanodine receptor 1; plus strand). Cytogenetic location: 19q13.2.
Variant type: single nucleotide variant.
Coding change: c.40C>A on transcript NM_000540.3 (MANE Select); coding-DNA position 40, C replaced by A.
Protein change: p.Arg14=; no amino-acid change (arginine 14 retained).
Molecular consequence: synonymous variant.
Genome position (GRCh38, 1-based): chr19:38,433,869, C>A. VCF-style: chr19-38433869-C-A. GRCh37 (hg19) VCF-style: chr19-38924509-C-A.
Other names: c.40C>A, p.Arg14= (NM_001042723.2).
Identifiers: ClinVar variation 763445 (VCV000763445.10), dbSNP rs200665559, ClinGen allele CA507237670.

ClinVar aggregate classification (germline): Likely benign. Review status: criteria provided, multiple submitters, no conflicts (2 of 4 stars). 2 submissions from 2 submitters: Likely benign (2). Last evaluated 2023-12-13.

Conditions:
RYR1-related disorder. Also called: RYR1-related condition; RYR1-related disorders. Identifiers: MedGen CN239331.
Malignant hyperthermia, susceptibility to, 1 (MHS1). Also called: Malignant hyperthermia suceptibility 1; RYR1-Related Malignant Hyperthermia Susceptibility; Anesthesia related hyperthermia; Malignant hyperpyrexia; Fulminating hyperpyrexia; Pharmacogenic myopathy. Identifiers: Orphanet 423, MedGen C2930980, MONDO:0007783, OMIM 145600.

Allele frequency attached by ClinVar (database versions not stated): gnomAD 0.00001.
gnomAD v4.1: 3 of 1,613,040 alleles (0.00019%); highest among the groups gnomAD compares: Non-Finnish European, 0.00025%; no homozygotes.

Submissions (2):

All of Us Research Program, National Institutes of Health
Classification: Likely benign for Malignant hyperthermia, susceptibility to, 1. Last evaluated: 2023-12-13. Review status: criteria provided, single submitter. Criteria: ACMG Guidelines, 2015. Collection method: clinical testing. Allele origin: germline. Inheritance: Autosomal dominant inheritance. Observed: 1 variant allele, 1 heterozygote.
Comment: This study involves interpretation of variants in research participants for the purpose of population health screening. Participant phenotype was not available at the time of variant classification. Additional details can be found in publication PMID: 35346344, PMCID: PMC8962531

Labcorp Genetics (formerly Invitae), Labcorp
Classification: Likely benign for RYR1-related disorder. Last evaluated: 2023-02-03. Review status: criteria provided, single submitter. Criteria: Invitae Variant Classification Sherloc (09022015). Collection method: clinical testing. Allele origin: germline.